The following is an entry in ClinVar:

NM_000536.4(RAG2):c.895del (p.Ile299fs)

Gene: RAG2 (recombination activating 2; minus strand). Cytogenetic location: 11p12.
Variant type: Deletion.
Coding change: c.895del on transcript NM_000536.4 (MANE Select); coding-DNA position 895, one base deleted (A; older notation c.895delA).
Protein change: p.Ile299fs; shifts the reading frame from isoleucine 299.
Molecular consequence: frameshift variant.
Genome position (GRCh38, 1-based): chr11:36,593,274, T deleted on the plus strand (A on the coding strand, the reverse complement: RAG2 is on the minus strand); the first of 3 consecutive T bases (chr11:36,593,274-36,593,276); deleting any one gives the same sequence. VCF-style (leftmost placement, unchanged base first): chr11-36593273-AT-A. GRCh37 (hg19) VCF-style: chr11-36614823-AT-A.
Other names: c.895del, p.Ile299fs (NM_001243785.2, NM_001243786.2); short protein forms I299fs.
Identifiers: ClinVar variation 1076086 (VCV001076086.9), dbSNP rs2133313100, ClinGen allele CA2499220939.
Genomic context (GRCh38, chr11:36,593,273, plus strand): 5'-CCAAACCATATCTTGCTGTGCTTAATGTCTGGGGTCCAATCTGGGGTCTCCATCTCACGA[AT>A]TTCTATCTTGTTGTCCTCTAAAGAGATGATGTTGCAGATCATTCTTTTTTGATTTTCAAG-3'

ClinVar aggregate classification (germline): Pathogenic (1 of 4 stars; one submission).

Conditions:
Severe combined immunodeficiency, autosomal recessive, T cell-negative, B cell-negative, NK cell-positive. Also called: Severe combined immunodeficiency due to complete RAG1/2 deficiency; SCID, T CELL-NEGATIVE, B CELL-NEGATIVE, NK CELL-POSITIVE; SCID, AR, T-cell negative, B-cell negative, NK cell-positive. Identifiers: Orphanet 331206, MedGen C1832322, MONDO:0011086, OMIM 601457.
Combined immunodeficiency with skin granulomas. Identifiers: Orphanet 157949, MedGen C2673536, MONDO:0009306, OMIM 233650.

Submission:

Labcorp Genetics (formerly Invitae), Labcorp
Classification: Pathogenic for Combined immunodeficiency with skin granulomas; Severe combined immunodeficiency, autosomal recessive, T cell-negative, B cell-negative, NK cell-positive. Last evaluated: 2020-01-20. Review status: criteria provided, single submitter. Criteria: Invitae Variant Classification Sherloc (09022015). Collection method: clinical testing. Allele origin: germline.
Comment: This variant is not present in population databases (ExAC no frequency). This sequence change results in a premature translational stop signal in the RAG2 gene (p.Ile299Phefs*50). While this is not anticipated to result in nonsense mediated decay, it is expected to disrupt the last 229 amino acids of the RAG2 protein. This variant has not been reported in the literature in individuals with RAG2-related conditions. For these reasons, this variant has been classified as Pathogenic. This variant disrupts the C-terminus of the RAG2 protein. Other variant(s) that disrupt this region (p.Glu480*, p.Ile427Glyfs*12, p.His468Argfs*16, p.Arg523Glufs*49) have been determined to be pathogenic (PMID: 26915675, 26476733, 21624848, 24144642). This suggests that variants that disrupt this region of the protein are likely to be causative of disease.

Literature cited by the submitters: PubMed 26915675; PubMed 26476733; PubMed 21624848; PubMed 24144642.